The following is an entry in ClinVar:

ClinVar aggregate classification (germline): Conflicting classifications of pathogenicity. Review status: criteria provided, conflicting classifications (1 of 4 stars). 4 submissions from 4 submitters: Uncertain significance (1); Likely benign (2). 1 of the submissions does not count toward it. Last evaluated 2024-12-30.

Conditions:
Inborn genetic diseases. Identifiers: MedGen C0950123, MeSH D030342.
Intellectual developmental disorder, X-linked, syndromic 14. Also called: Syndromic X-linked intellectual disability 14. Identifiers: Orphanet 776, MedGen C1970822, MONDO:0010398, OMIM 300676.
UPF3B-related disorder. Also called: UPF3B-related condition.

Allele frequency attached by ClinVar (database versions not stated): gnomAD 0.00013; gnomAD exomes 0.00007; ExAC 0.00009; TOPMed 0.00011; ESP Exome Variant Server 0.00038.
gnomAD v4.1: 47 of 1,208,690 alleles (0.0039%); highest among the groups gnomAD compares: African/African-American, 0.018%; no homozygotes.

Submissions (4):

Labcorp Genetics (formerly Invitae), Labcorp
Classification: Likely benign for Intellectual developmental disorder, X-linked, syndromic 14. Last evaluated: 2024-12-30. Review status: criteria provided, single submitter. Criteria: Invitae Variant Classification Sherloc (09022015). Collection method: clinical testing. Allele origin: germline.

Ambry Genetics
Classification: Likely benign for Inborn genetic diseases. Last evaluated: 2023-03-06. Review status: criteria provided, single submitter. Criteria: Ambry Variant Classification Scheme 2023. Collection method: clinical testing. Allele origin: germline.

Mayo Clinic Laboratories, Mayo Clinic
Classification: Uncertain significance for Intellectual developmental disorder, X-linked, syndromic 14. Last evaluated: 2016-05-03. Review status: criteria provided, single submitter. Criteria: ACMG Guidelines, 2015. Collection method: clinical testing. Allele origin: maternal.

PreventionGenetics, part of Exact Sciences
Classification: Likely benign for UPF3B-related condition. Last evaluated: 2024-04-23. Review status: no assertion criteria provided. Collection method: clinical testing. Allele origin: germline. Not counted in ClinVar's aggregate classification.
Comment: This variant is classified as likely benign based on ACMG/AMP sequence variant interpretation guidelines (Richards et al. 2015 PMID: 25741868, with internal and published modifications).

NM_080632.3(UPF3B):c.1118G>A (p.Arg373His)

Gene: UPF3B (UPF3B regulator of nonsense mediated mRNA decay; minus strand). Cytogenetic location: Xq24.
Variant type: single nucleotide variant.
Coding change: c.1118G>A on transcript NM_080632.3 (MANE Select); coding-DNA position 1118, G replaced by A.
Protein change: p.Arg373His; replaces arginine 373 with histidine.
Molecular consequence: missense variant.
Genome position (GRCh38, 1-based): chrX:119,837,941, C>T on the plus strand (G>A on the coding strand, the complement: UPF3B is on the minus strand). VCF-style: chrX-119837941-C-T. GRCh37 (hg19) VCF-style: chrX-118971904-C-T.
Other names: c.1079G>A, p.Arg360His (NM_023010.4); short protein forms R373H, R360H.
Identifiers: ClinVar variation 547850 (VCV000547850.11), dbSNP rs146785878, ClinGen allele CA10503182.